The following is an entry in ClinVar:

ClinVar aggregate classification (germline): Likely benign. Review status: criteria provided, multiple submitters, no conflicts (2 of 4 stars). 4 submissions from 4 submitters: Likely benign (3). 1 of the submissions does not count toward it. Last evaluated 2025-12-31.

Conditions:
Glycogen storage disease, type II (IOPD). Also called: Glucosidase acid-1,4-alpha deficiency; Pompe Disease; POMPE DISEASE, INFANTILE-ONSET; GLYCOGEN STORAGE DISEASE II, INFANTILE-ONSET; ACID ALPHA-GLUCOSIDASE DEFICIENCY, INFANTILE-ONSET; GAA DEFICIENCY, INFANTILE-ONSET. Identifiers: Orphanet 365, MedGen C0017921, MONDO:0009290, OMIM 232300.
GAA-related disorder. Also called: GAA-related condition.
Cardiovascular phenotype. Identifiers: MedGen CN230736.

Allele frequency attached by ClinVar (database versions not stated): gnomAD 0.00002; TOPMed 0.00004; gnomAD exomes 0.00005; ExAC 0.00007.
gnomAD v4.1: 56 of 1,613,484 alleles (0.0035%); highest among the groups gnomAD compares: Middle Eastern, 0.016%; no homozygotes.

Submissions (4):

Labcorp Genetics (formerly Invitae), Labcorp
Classification: Likely benign for Glycogen storage disease, type II. Last evaluated: 2025-12-31. Review status: criteria provided, single submitter. Criteria: Invitae Variant Classification Sherloc (09022015). Collection method: clinical testing. Allele origin: germline.

Ambry Genetics
Classification: Likely benign for Cardiovascular phenotype. Last evaluated: 2020-07-12. Review status: criteria provided, single submitter. Criteria: Ambry Variant Classification Scheme 2023. Collection method: clinical testing. Allele origin: germline.

GeneDx
Classification: Likely benign. Last evaluated: 2016-01-12. Review status: criteria provided, single submitter. Criteria: GeneDx Variant Classification (06012015). Collection method: clinical testing. Allele origin: germline. Affected: yes.
Comment: This variant is considered likely benign or benign based on one or more of the following criteria: it is a conservative change, it occurs at a poorly conserved position in the protein, it is predicted to be benign by multiple in silico algorithms, and/or has population frequency not consistent with disease.

PreventionGenetics, part of Exact Sciences
Classification: Likely benign for GAA-related condition. Last evaluated: 2019-07-11. Review status: no assertion criteria provided. Collection method: clinical testing. Allele origin: germline. Not counted in ClinVar's aggregate classification.
Comment: This variant is classified as likely benign based on ACMG/AMP sequence variant interpretation guidelines (Richards et al. 2015 PMID: 25741868, with internal and published modifications).

NM_000152.5(GAA):c.972G>A (p.Pro324=)

Gene: GAA (alpha glucosidase; plus strand). Cytogenetic location: 17q25.3.
Variant type: single nucleotide variant.
Coding change: c.972G>A on transcript NM_000152.5 (MANE Select); coding-DNA position 972, G replaced by A.
Protein change: p.Pro324=; no amino-acid change (proline 324 retained).
Molecular consequence: synonymous variant.
Genome position (GRCh38, 1-based): chr17:80,108,306, G>A. VCF-style: chr17-80108306-G-A. GRCh37 (hg19) VCF-style: chr17-78082105-G-A.
Other names: c.972G>A (LRG_673t1, NM_000152.4); c.972G>A, p.Pro324= (NM_001079803.3, NM_001079804.3).
Identifiers: ClinVar variation 382672 (VCV000382672.16), dbSNP rs763445243, ClinGen allele CA8815121.
Genomic context (GRCh38, chr17:80,108,306, plus strand): 5'-AGTGAAGAATCTGTCCCCCAACCCCAGAGCTGCTTCCCTTCCAGATGTGGTCCTGCAGCC[G>A]AGCCCTGCCCTTAGCTGGAGGTCGACAGGTGGGATCCTGGATGTCTACATCTTCCTGGGC-3'
Protein context (NP_000143.2, residues 314-334): NSNAMDVVLQ[Pro324=]SPALSWRSTG